The following is an entry in ClinVar:

ClinVar aggregate classification (germline): Uncertain significance (1 of 4 stars; one submission).

Conditions:
Hereditary cancer-predisposing syndrome. Also called: Neoplastic Syndromes, Hereditary; Hereditary neoplastic syndrome; Tumor predisposition; Hereditary Cancer Syndrome. Identifiers: Orphanet 140162, MedGen C0027672, MeSH D009386, MONDO:0015356.

Submission:

Ambry Genetics
Classification: Uncertain significance for Hereditary cancer-predisposing syndrome. Last evaluated: 2026-01-19. Review status: criteria provided, single submitter. Criteria: Ambry Variant Classification Scheme 2023. Collection method: clinical testing. Allele origin: germline.
Comment: The p.N634I variant (also known as c.1901A>T), located in coding exon 16 of the MRE11A gene, results from an A to T substitution at nucleotide position 1901. The asparagine at codon 634 is replaced by isoleucine, an amino acid with dissimilar properties. This amino acid position is conserved. In addition, this alteration is predicted to be tolerated by in silico analysis. Based on the available evidence, the clinical significance of this variant remains unclear.

NM_005591.4(MRE11):c.1901A>T (p.Asn634Ile)

Gene: MRE11 (MRE11 double strand break repair nuclease; minus strand). Cytogenetic location: 11q21.
Variant type: single nucleotide variant.
Coding change: c.1901A>T on transcript NM_005591.4 (MANE Select); coding-DNA position 1901, A replaced by T.
Protein change: p.Asn634Ile; replaces asparagine 634 with isoleucine.
Molecular consequence: missense variant.
Genome position (GRCh38, 1-based): chr11:94,437,202, T>A on the plus strand (A>T on the coding strand, the complement: MRE11 is on the minus strand). VCF-style: chr11-94437202-T-A. GRCh37 (hg19) VCF-style: chr11-94170368-T-A.
Other names: c.1433A>T, p.Asn478Ile (NM_001440485.1, NM_001440486.1, NM_001440487.1); c.1817A>T, p.Asn606Ile (NM_005590.4, NM_001440466.1, NM_001440474.1 and 4 more transcripts); c.1898A>T, p.Asn633Ile (NM_001330347.2, NM_001440464.1, NM_001440465.1); c.1901A>T, p.Asn634Ile (NM_001440460.1, NM_001440461.1, NM_001440462.1 and 2 more transcripts); c.1838A>T, p.Asn613Ile (NM_001440467.1, NM_001440468.1, NM_001440469.1); c.1835A>T, p.Asn612Ile (NM_001440470.1); c.1826A>T, p.Asn609Ile (NM_001440471.1); c.1823A>T, p.Asn608Ile (NM_001440472.1); and 5 more; short protein forms N585I, N588I, N608I, N609I, N612I, N607I, N633I, N478I.
Identifiers: ClinVar variation 4824443 (VCV004824443.1).
Genomic context (GRCh38, chr11:94,437,202, plus strand): 5'-TTATTAATACACAACCATAAAACTTTTTTTCTTACCTCTGAATAATTCTTAGTAGTGACA[T>A]TTCGGGAAGGCTGCTGTCTTGTAGATTTAAAGGCTAGAATGAAAAAGATGAAATGTGCAT-3'
Protein context (NP_005582.1, residues 624-644): FKSTRQQPSR[Asn634Ile]VTTKNYSEVI